The following is an entry in ClinVar:

NM_030773.4(TUBB1):c.1115C>G (p.Thr372Arg)

Gene: TUBB1 (tubulin beta 1 class VI; plus strand). Cytogenetic location: 20q13.32.
Variant type: single nucleotide variant.
Coding change: c.1115C>G on transcript NM_030773.4 (MANE Select); coding-DNA position 1115, C replaced by G.
Protein change: p.Thr372Arg; replaces threonine 372 with arginine.
Molecular consequence: missense variant.
Genome position (GRCh38, 1-based): chr20:59,024,542, C>G. VCF-style: chr20-59024542-C-G. GRCh37 (hg19) VCF-style: chr20-57599597-C-G.
Other names: short protein forms T372R.
Identifiers: ClinVar variation 2880309 (VCV002880309.3), dbSNP rs577942311, ClinGen allele CA409468352.
Genomic context (GRCh38, chr20:59,024,542, plus strand): 5'-CTGTCTGCGACATCCCGCCCCGGGGGCTGAGCATGGCCGCCACCTTCATTGGCAACAACA[C>G]GGCCATCCAAGAGATCTTTAATAGGGTCTCTGAGCATTTCTCAGCCATGTTCAAAAGGAA-3'
Protein context (NP_110400.1, residues 362-382): SMAATFIGNN[Thr372Arg]AIQEIFNRVS

ClinVar aggregate classification (germline): Uncertain significance (1 of 4 stars; one submission).

gnomAD v4.1: 4 of 1,614,098 alleles (0.00025%); highest among the groups gnomAD compares: Admixed American, 0.0067%; no homozygotes.

Submission:

Labcorp Genetics (formerly Invitae), Labcorp
Classification: Uncertain significance. Last evaluated: 2024-01-03. Review status: criteria provided, single submitter. Criteria: Invitae Variant Classification Sherloc (09022015). Collection method: clinical testing. Allele origin: germline.
Comment: This sequence change replaces threonine, which is neutral and polar, with arginine, which is basic and polar, at codon 372 of the TUBB1 protein (p.Thr372Arg). This variant is present in population databases (no rsID available, gnomAD 0.003%). This variant has not been reported in the literature in individuals affected with TUBB1-related conditions. Advanced modeling of protein sequence and biophysical properties (such as structural, functional, and spatial information, amino acid conservation, physicochemical variation, residue mobility, and thermodynamic stability) performed at Invitae indicates that this missense variant is expected to disrupt TUBB1 protein function with a positive predictive value of 80%. In summary, the available evidence is currently insufficient to determine the role of this variant in disease. Therefore, it has been classified as a Variant of Uncertain Significance.